The following is an entry in ClinVar:

ClinVar aggregate classification (germline): Uncertain significance (1 of 4 stars; one submission).

Allele frequency attached by ClinVar (database versions not stated): gnomAD 0.00001; gnomAD exomes 0.00001; TOPMed 0.00001.
gnomAD v4.1: 12 of 1,614,004 alleles (0.00074%); highest among the groups gnomAD compares: Non-Finnish European, 0.00093%; no homozygotes.

Submission:

Labcorp Genetics (formerly Invitae), Labcorp
Classification: Uncertain significance. Last evaluated: 2024-09-29. Review status: criteria provided, single submitter. Criteria: Invitae Variant Classification Sherloc (09022015). Collection method: clinical testing. Allele origin: germline.
Comment: This sequence change replaces arginine, which is basic and polar, with glutamine, which is neutral and polar, at codon 98 of the PPP2R5D protein (p.Arg98Gln). This variant is not present in population databases (gnomAD no frequency). This variant has not been reported in the literature in individuals affected with PPP2R5D-related conditions. ClinVar contains an entry for this variant (Variation ID: 2176930). An algorithm developed to predict the effect of missense changes on protein structure and function (PolyPhen-2) suggests that this variant is likely to be tolerated. In summary, the available evidence is currently insufficient to determine the role of this variant in disease. Therefore, it has been classified as a Variant of Uncertain Significance.

NM_006245.4(PPP2R5D):c.293G>A (p.Arg98Gln)

Gene: PPP2R5D (protein phosphatase 2 regulatory subunit B'delta; plus strand). Cytogenetic location: 6p21.1.
Variant type: single nucleotide variant.
Coding change: c.293G>A on transcript NM_006245.4 (MANE Select); coding-DNA position 293, G replaced by A.
Protein change: p.Arg98Gln; replaces arginine 98 with glutamine.
Molecular consequence: missense variant. On other transcripts: 5 prime UTR variant (1), intron variant (2).
Genome position (GRCh38, 1-based): chr6:43,006,650, G>A. VCF-style: chr6-43006650-G-A. GRCh37 (hg19) VCF-style: chr6-42974388-G-A.
Other names: c.-161G>A (NM_001270476.2); c.249+44G>A (NM_180976.3); c.28-284G>A (NM_180977.3); short protein forms R98Q.
Identifiers: ClinVar variation 2176930 (VCV002176930.4), dbSNP rs1369793954, ClinGen allele CA364181092.